The following is an entry in ClinVar:

NM_000545.8(HNF1A):c.704A>G (p.Glu235Gly)

Gene: HNF1A (HNF1 homeobox A; plus strand). Cytogenetic location: 12q24.31.
Variant type: single nucleotide variant.
Coding change: c.704A>G on transcript NM_000545.8 (MANE Select); coding-DNA position 704, A replaced by G.
Protein change: p.Glu235Gly; replaces glutamic acid 235 with glycine.
Molecular consequence: missense variant.
Genome position (GRCh38, 1-based): chr12:120,993,697, A>G. VCF-style: chr12-120993697-A-G. GRCh37 (hg19) VCF-style: chr12-121431500-A-G.
Other names: c.704A>G, p.Glu235Gly (NM_001306179.2); short protein forms E235G.
Identifiers: ClinVar variation 805636 (VCV000805636.3), dbSNP rs1593058338, ClinGen allele CA386965391.

ClinVar aggregate classification (germline): Likely pathogenic/Likely risk allele. Review status: criteria provided, multiple submitters, no conflicts (2 of 4 stars). 2 submissions from 2 submitters: Likely pathogenic (1); Likely risk allele (1). Last evaluated 2021-05-12.

Conditions:
Maturity-onset diabetes of the young (MODY). Also called: Maturity onset diabetes mellitus in young. Identifiers: Orphanet 552, MedGen C0342276, MONDO:0018911, HP:0004904.

Allele frequency attached by ClinVar (database versions not stated): gnomAD exomes below 0.00001.
gnomAD v4.1: 1 of 1,613,896 alleles (0.000062%); highest among the groups gnomAD compares: Non-Finnish European, 0.000085%; no homozygotes.

Submissions (2):

Athena Diagnostics
Classification: Likely pathogenic. Last evaluated: 2021-05-12. Review status: criteria provided, single submitter. Criteria: Athena Diagnostics criteria. Collection method: clinical testing. Allele origin: unknown.
Comment: This variant has not been reported in large, multi-ethnic general populations. This variant has been identified in at least one individual with clinical features associated with this gene. Assessment of experimental evidence suggests this variant results in abnormal protein function. This variant affected the transcriptional activation of some HNF-1a target promoters (PMID: 21170474). The variant is located in a region that is considered important for protein function and/or structure.

Clinical Genomics, Uppaluri K&H Personalized Medicine Clinic
Classification: Likely risk allele for Maturity-onset diabetes of the young. Review status: criteria provided, single submitter. Criteria: K & H Uppaluri Personalized Medicine Clinic Variant Classification & Assertion Criteria_Updated V.1. Collection method: research. Allele origin: unknown. Inheritance: Autosomal dominant inheritance.
Comment: Mutations in HNF1A gene can predispose to MODY3. It is associated with both micro and macrovascular complications of diabetes, especially cardiovascular complications. Associated with glucosuria. May respond well to sulfonylureas. However, more evidence is required to confer the association of this particular variant rs1593058338 with MODY3.

Literature cited by the submitters: PubMed 21170474 (cited by Athena Diagnostics); PubMed 25525159 (cited by Athena Diagnostics); PubMed 31517624 (cited by Clinical Genomics, Uppaluri K&H Personalized Medicine Clinic); PubMed 32395877 (cited by Clinical Genomics, Uppaluri K&H Personalized Medicine Clinic); PubMed 35328643 (cited by Clinical Genomics, Uppaluri K&H Personalized Medicine Clinic); PubMed 35673428 (cited by Clinical Genomics, Uppaluri K&H Personalized Medicine Clinic).